The following is an entry in ClinVar:

ClinVar aggregate classification (germline): Conflicting classifications of pathogenicity. Review status: criteria provided, conflicting classifications (1 of 4 stars). 11 submissions from 11 submitters: Uncertain significance (7); Likely benign (1). 3 of the submissions do not count toward it. Last evaluated 2025-10-22.

Conditions:
Cardiovascular phenotype. Identifiers: MedGen CN230736.
Familial isolated arrhythmogenic right ventricular dysplasia. Identifiers: Orphanet 217656, MedGen C4274968, MONDO:0016342.
Cardiomyopathy (CMYO). Also called: Cardiomyopathies. Identifiers: Orphanet 167848, MedGen C0878544, MONDO:0004994, HP:0001638. Inheritance: Various modes of inheritance.
Arrhythmogenic right ventricular dysplasia 11. Also called: ARRHYTHMOGENIC RIGHT VENTRICULAR DYSPLASIA, FAMILIAL, 11; Arrhythmogenic right ventricular dysplasia 11 with mild palmoplantar keratoderma and woolly hair; Arrhythmogenic Right Ventricular Dysplasia/Cardiomyopathy11. Identifiers: MedGen C1864850, MONDO:0012506, OMIM 610476.

Allele frequency attached by ClinVar (database versions not stated): TOPMed 0.00002; 1000 Genomes Project 0.00020; ExAC 0.00002; gnomAD 0.00002 and 0.00003; gnomAD exomes 0.00003 and 0.00001; ESP Exome Variant Server 0.00008; 1000 Genomes Project 30x 0.00016.
gnomAD v4.1: 25 of 1,614,116 alleles (0.0015%); highest among the groups gnomAD compares: Non-Finnish European, 0.002%; no homozygotes.

Submissions (11):

Labcorp Genetics (formerly Invitae), Labcorp
Classification: Uncertain significance for Arrhythmogenic right ventricular dysplasia 11. Last evaluated: 2025-10-22. Review status: criteria provided, single submitter. Criteria: Invitae Variant Classification Sherloc (09022015). Collection method: clinical testing. Allele origin: germline.
Comment: This sequence change replaces proline, which is neutral and non-polar, with serine, which is neutral and polar, at codon 289 of the DSC2 protein (p.Pro289Ser). This variant is present in population databases (rs200802591, gnomAD 0.006%). This missense change has been observed in individual(s) with clinical features of arrhythmogenic right ventricular cardiomyopathy (PMID: 20031616, 30847666, 32880476). ClinVar contains an entry for this variant (Variation ID: 46200). Invitae Evidence Modeling of protein sequence and biophysical properties (such as structural, functional, and spatial information, amino acid conservation, physicochemical variation, residue mobility, and thermodynamic stability) indicates that this missense variant is expected to disrupt DSC2 protein function with a positive predictive value of 80%. In summary, the available evidence is currently insufficient to determine the role of this variant in disease. Therefore, it has been classified as a Variant of Uncertain Significance.

Ambry Genetics
Classification: Likely benign for Cardiovascular phenotype. Last evaluated: 2024-05-14. Review status: criteria provided, single submitter. Criteria: Ambry Variant Classification Scheme 2023. Collection method: clinical testing. Allele origin: germline.

All of Us Research Program, National Institutes of Health
Classification: Uncertain significance for Familial isolated arrhythmogenic right ventricular dysplasia. Last evaluated: 2024-03-24. Review status: criteria provided, single submitter. Criteria: ACMG Guidelines, 2015. Collection method: clinical testing. Allele origin: germline. Inheritance: Autosomal dominant inheritance. Observed: 8 variant alleles, 8 heterozygotes.
Comment: This missense variant replaces proline with serine at codon 289 of the DSC2 protein. Computational prediction suggests that this variant may not impact protein structure and function (internally defined REVEL score threshold <= 0.5, PMID: 27666373). To our knowledge, functional studies have not been reported for this variant. This variant has been reported in an individual affected with arrhythmogenic right ventricular cardiomyopathy (PMID: 20031616) and in an individual affected with dilated cardiomyopathy (Verdonschot 2021, disertation, Maastricht University). This variant has also been identified in 8/282798 chromosomes in the general population by the Genome Aggregation Database (gnomAD). The available evidence is insufficient to determine the role of this variant in disease conclusively. Therefore, this variant is classified as a Variant of Uncertain Significance.

This study involves interpretation of variants in research participants for the purpose of population health screening. Participant phenotype was not available at the time of variant classification. Additional details can be found in publication PMID: 35346344, PMCID: PMC8962531

Color Diagnostics, LLC DBA Color Health
Classification: Uncertain significance for Cardiomyopathy. Last evaluated: 2024-03-11. Review status: criteria provided, single submitter. Criteria: ACMG Guidelines, 2015. Collection method: clinical testing. Allele origin: germline.
Comment: This missense variant replaces proline with serine at codon 289 of the DSC2 protein. Computational prediction suggests that this variant may not impact protein structure and function (internally defined REVEL score threshold <= 0.5, PMID: 27666373). To our knowledge, functional studies have not been reported for this variant. This variant has been reported in an individual affected with arrhythmogenic right ventricular cardiomyopathy (PMID: 20031616) and in an individual affected with dilated cardiomyopathy (Verdonschot 2021, disertation, Maastricht University). This variant has also been identified in 8/282798 chromosomes in the general population by the Genome Aggregation Database (gnomAD). The available evidence is insufficient to determine the role of this variant in disease conclusively. Therefore, this variant is classified as a Variant of Uncertain Significance.

GeneDx
Classification: Uncertain significance. Last evaluated: 2019-09-30. Review status: criteria provided, single submitter. Criteria: GeneDx Variant Classification Process June 2021. Collection method: clinical testing. Allele origin: germline. Affected: yes.
Comment: Reported in ClinVar as a variant of uncertain significance (ClinVar Variant ID#46200; Landrum et al., 2016); Not observed at a significant frequency in large population cohorts (Lek et al., 2016); In silico analysis, which includes protein predictors and evolutionary conservation, supports a deleterious effect; This variant is associated with the following publications: (PMID: 32880476, 30847666, 20031616)

Genome Diagnostics Laboratory, University Medical Center Utrecht
Classification: Uncertain significance for Arrhythmogenic right ventricular dysplasia 11. Last evaluated: 2017-01-25. Review status: criteria provided, single submitter. Criteria: ACGS Guidelines, 2013. Collection method: clinical testing. Allele origin: germline. Affected: yes. Study: VKGL Data-share Consensus.

Clinical Genetics DNA and cytogenetics Diagnostics Lab, Erasmus MC, Erasmus Medical Center
Classification: Uncertain significance for Arrhythmogenic right ventricular dysplasia 11. Last evaluated: 2015-09-21. Review status: criteria provided, single submitter. Criteria: ACGS Guidelines, 2013. Collection method: clinical testing. Allele origin: germline. Affected: yes. Study: VKGL Data-share Consensus.

Laboratory for Molecular Medicine, Mass General Brigham Personalized Medicine
Classification: Uncertain significance. Last evaluated: 2010-12-14. Review status: criteria provided, single submitter. Criteria: LMM Criteria. Collection method: clinical testing. Allele origin: germline. Observed: 1 variant allele.
Comment: Variant classified as Uncertain Significance - Favor Pathogenic. The Pro289Ser v ariant has been reported in one individual with possible ARVD/C and was absent f rom 300 ethnically matched control chromosomes (Bhuiyan 2009). Proline (Pro) at position 289 is conserved across in mammals (more distant species were not avail able. In addition, three computer programs (AlignGCGD, PolyPhen, SIFT) predict t he variant to significantly affect the protein?s function. While the absence fro m controls and the limited evolutionary conservation data available support a pa thogenic role, the number of controls tested is not high enough to exclude that the variant is benign. In summary, the significance of the Pro289Ser variant c annot be determined without additional studies.

Clinical Genetics, Academic Medical Center
Classification: Uncertain significance. Review status: no assertion criteria provided. Collection method: clinical testing. Allele origin: germline. Affected: yes. Study: VKGL Data-share Consensus. Not counted in ClinVar's aggregate classification.

Diagnostic Laboratory, Department of Genetics, University Medical Center Groningen
Classification: Uncertain significance for Arrhythmogenic right ventricular dysplasia 11. Review status: no assertion criteria provided. Collection method: clinical testing. Allele origin: germline. Affected: yes. Study: VKGL Data-share Consensus. Not counted in ClinVar's aggregate classification.

Joint Genome Diagnostic Labs from Nijmegen and Maastricht, Radboudumc and MUMC+
Classification: Uncertain significance. Review status: no assertion criteria provided. Collection method: clinical testing. Allele origin: germline. Affected: yes. Study: VKGL Data-share Consensus. Not counted in ClinVar's aggregate classification.

Literature cited by the submitters: PubMed 20031616 (cited by 5 submitters); PubMed 30847666 (cited by Labcorp Genetics (formerly Invitae), Labcorp); PubMed 32880476 (cited by Labcorp Genetics (formerly Invitae), Labcorp); PubMed 37418234 (cited by Ambry Genetics).

NM_024422.6(DSC2):c.865C>T (p.Pro289Ser)

Gene: DSC2 (desmocollin 2; minus strand). Cytogenetic location: 18q12.1.
Variant type: single nucleotide variant.
Coding change: c.865C>T on transcript NM_024422.6 (MANE Select); coding-DNA position 865, C replaced by T.
Protein change: p.Pro289Ser; replaces proline 289 with serine.
Molecular consequence: missense variant.
Genome position (GRCh38, 1-based): chr18:31,086,653, G>A on the plus strand (C>T on the coding strand, the complement: DSC2 is on the minus strand). VCF-style: chr18-31086653-G-A. GRCh37 (hg19) VCF-style: chr18-28666616-G-A.
Other names: c.865C>T, p.Pro289Ser (NM_004949.5); short protein forms P289S.
Identifiers: ClinVar variation 46200 (VCV000046200.25), dbSNP rs200802591, ClinGen allele CA022956.
Genomic context (GRCh38, chr18:31,086,653, plus strand): 5'-ATGATGTTGTGGTGATCACGCCTGTAGTTGGATGCATAGAAAATAGGGTGGGTGATGGTG[G>A]CACCTGCCCAATGATGGAGTACTTCAGGCGTGTGTGCATCGTGTCAGGCTCATCTTTGTC-3'
Protein context (NP_077740.1, residues 279-299): RLKYSIIGQV[Pro289Ser]PSPTLFSMHP